The following is an entry in ClinVar:

NM_182961.4(SYNE1):c.22495-18_22495-16del

Gene: SYNE1 (spectrin repeat containing nuclear envelope protein 1; minus strand). Cytogenetic location: 6q25.2.
Variant type: Microsatellite.
Coding change: c.22495-18_22495-16del on transcript NM_182961.4 (MANE Select); 18 bases into the intron before coding-DNA position 22495 through 16 bases into the intron before coding-DNA position 22495, 3 bases deleted (CTT; older notation c.22495-18_22495-16delCTT).
Molecular consequence: intron variant.
Genome position (GRCh38, 1-based): chr6:152,211,604-152,211,606, AAG deleted on the plus strand (CTT on the coding strand, the reverse complement: SYNE1 is on the minus strand); deleting any 3 consecutive bases within chr6:152,211,604-152,211,611 gives the same sequence; the c. name uses the placement nearest the transcript's 3' end. VCF-style (leftmost placement, unchanged base first): chr6-152211603-AAAG-A. GRCh37 (hg19) VCF-style: chr6-152532738-AAAG-A.
Other names: c.22282-18_22282-16del (NM_033071.5); c.22282-18_22282-16delCTT (NM_033071.5).
Identifiers: ClinVar variation 1506202 (VCV001506202.9), dbSNP rs1438172102, ClinGen allele CA571126847.

ClinVar aggregate classification (germline): Likely benign. Review status: criteria provided, multiple submitters, no conflicts (2 of 4 stars). 2 submissions from 2 submitters: Likely benign (2). Last evaluated 2025-06-17.

Conditions:
Autosomal recessive ataxia, Beauce type. Also called: SYNE1-Related Autosomal Recessive Cerebellar Ataxia; Spinocerebellar ataxia, autosomal recessive 8; ATAXIA, RECESSIVE, OF BEAUCE; SYNE1 Deficiency. Identifiers: Orphanet 88644, MedGen C1853116, MONDO:0012549, OMIM 610743.
Emery-Dreifuss muscular dystrophy 4, autosomal dominant (EDMD4). Also called: EMERY-DREIFUSS MUSCULAR DYSTROPHY 4 WITH VARIABLE FEATURES. Identifiers: Orphanet 261, MedGen C2751807, MONDO:0013071, OMIM 612998.

Submissions (2):

Women's Health and Genetics/Laboratory Corporation of America, LabCorp
Classification: Likely benign. Last evaluated: 2025-06-17. Review status: criteria provided, single submitter. Criteria: LabCorp Variant Classification Summary - May 2015. Collection method: clinical testing. Allele origin: germline.
Comment: Variant summary: SYNE1 c.22282-18_22282-16delCTT alters a nucleotide located at a position not widely known to affect splicing. Consensus agreement among computation tools predict no significant impact on normal splicing. However, these predictions have yet to be confirmed by functional studies. The variant allele was found at a frequency of 9.3e-06 in 1606330 control chromosomes. This frequency is not significantly higher than estimated for a pathogenic variant in SYNE1 causing Autosomal recessive ataxia, Beauce type (9.3e-06 vs 0.0011), allowing no conclusion about variant significance. To our knowledge, no occurrence of c.22282-18_22282-16delCTT in individuals affected with Autosomal recessive ataxia, Beauce type and no experimental evidence demonstrating its impact on protein function have been reported. ClinVar contains an entry for this variant (Variation ID: 1506202). Based on the evidence outlined above, the variant was classified as likely benign.

Labcorp Genetics (formerly Invitae), Labcorp
Classification: Likely benign for Emery-Dreifuss muscular dystrophy 4, autosomal dominant; Autosomal recessive ataxia, Beauce type. Last evaluated: 2024-04-25. Review status: criteria provided, single submitter. Criteria: Invitae Variant Classification Sherloc (09022015). Collection method: clinical testing. Allele origin: germline.